The following is an entry in ClinVar:

ClinVar aggregate classification (germline): Uncertain significance. Review status: criteria provided, multiple submitters, no conflicts (2 of 4 stars). 4 submissions from 4 submitters: Uncertain significance (4). Last evaluated 2025-04-07.

Conditions:
Pheochromocytoma. Also called: MAX-Related Hereditary Paraganglioma-Pheochromocytoma Syndrome. Identifiers: Orphanet 29072, MedGen C0031511, MONDO:0008233, OMIM 171300, HP:0002666.
Von Hippel-Lindau syndrome (VHLS). Also called: Von Hippel-Lindau; von Hippel–Lindau syndrome; VHL syndrome. Identifiers: Orphanet 892, MedGen C0019562, MONDO:0008667, OMIM 193300. Disease mechanism: loss of function.
Nonpapillary renal cell carcinoma. Identifiers: Orphanet 422526, MedGen CN074294, MONDO:0007763, OMIM 144700.
Chuvash polycythemia. Also called: POLYCYTHEMIA, VHL-DEPENDENT. Identifiers: Orphanet 238557, MedGen C1837915, MONDO:0009892, OMIM 263400.
Hereditary cancer-predisposing syndrome. Also called: Hereditary Cancer Syndrome; Hereditary neoplastic syndrome; Tumor predisposition; Neoplastic Syndromes, Hereditary. Identifiers: Orphanet 140162, MedGen C0027672, MeSH D009386, MONDO:0015356.

Allele frequency attached by ClinVar (database versions not stated): gnomAD 0.00001; gnomAD exomes 0.00001; ExAC 0.00005.
gnomAD v4.1: 6 of 1,598,158 alleles (0.00038%); highest among the groups gnomAD compares: South Asian, 0.0045%; no homozygotes.

Submissions (4):

Labcorp Genetics (formerly Invitae), Labcorp
Classification: Uncertain significance for Von Hippel-Lindau syndrome; Chuvash polycythemia. Last evaluated: 2025-04-07. Review status: criteria provided, single submitter. Criteria: Invitae Variant Classification Sherloc (09022015). Collection method: clinical testing. Allele origin: germline.
Comment: This sequence change replaces proline, which is neutral and non-polar, with leucine, which is neutral and non-polar, at codon 61 of the VHL protein (p.Pro61Leu). This variant is present in population databases (rs746582207, gnomAD 0.007%). This variant has not been reported in the literature in individuals affected with VHL-related conditions. ClinVar contains an entry for this variant (Variation ID: 456574). Invitae Evidence Modeling of protein sequence and biophysical properties (such as structural, functional, and spatial information, amino acid conservation, physicochemical variation, residue mobility, and thermodynamic stability) indicates that this missense variant is expected to disrupt VHL protein function with a positive predictive value of 80%. In summary, the available evidence is currently insufficient to determine the role of this variant in disease. Therefore, it has been classified as a Variant of Uncertain Significance.

Ambry Genetics
Classification: Uncertain significance for Hereditary cancer-predisposing syndrome. Last evaluated: 2024-06-17. Review status: criteria provided, single submitter. Criteria: Ambry Variant Classification Scheme 2023. Collection method: clinical testing. Allele origin: germline.
Comment: The p.P61L variant (also known as c.182C>T), located in coding exon 1 of the VHL gene, results from a C to T substitution at nucleotide position 182. The proline at codon 61 is replaced by leucine, an amino acid with similar properties. This amino acid position is well conserved in available vertebrate species. In addition, the in silico prediction for this alteration is inconclusive. Based on the available evidence, the clinical significance of this variant remains unclear.

Fulgent Genetics
Classification: Uncertain significance for Nonpapillary renal cell carcinoma; Pheochromocytoma; Von Hippel-Lindau syndrome; Chuvash polycythemia. Last evaluated: 2024-01-03. Review status: criteria provided, single submitter. Criteria: ACMG Guidelines, 2015. Collection method: clinical testing. Allele origin: germline.

All of Us Research Program, National Institutes of Health
Classification: Uncertain significance for Von Hippel-Lindau syndrome. Last evaluated: 2023-04-03. Review status: criteria provided, single submitter. Criteria: ACMG Guidelines, 2015. Collection method: clinical testing. Allele origin: germline. Inheritance: Autosomal dominant inheritance. Observed: 1 variant allele, 1 heterozygote.
Comment: This missense variant replaces proline with leucine at codon 61 of the VHL protein. Computational prediction suggests that this variant may not impact protein structure and function (internally defined REVEL score threshold <= 0.5, PMID: 27666373). To our knowledge, functional studies have not been reported for this variant. This variant has not been reported in individuals affected with VHL-related disorders in the literature. This variant has been identified in 2/213718 chromosomes in the general population by the Genome Aggregation Database (gnomAD). The available evidence is insufficient to determine the role of this variant in disease conclusively. Therefore, this variant is classified as a Variant of Uncertain Significance.

This study involves interpretation of variants in research participants for the purpose of population health screening. Participant phenotype was not available at the time of variant classification. Additional details can be found in publication PMID: 35346344, PMCID: PMC8962531

NM_000551.4(VHL):c.182C>T (p.Pro61Leu)

Gene: VHL (von Hippel-Lindau tumor suppressor; plus strand). Cytogenetic location: 3p25.3.
Variant type: single nucleotide variant.
Coding change: c.182C>T on transcript NM_000551.4 (MANE Select); coding-DNA position 182, C replaced by T.
Protein change: p.Pro61Leu; replaces proline 61 with leucine.
Molecular consequence: missense variant.
Genome position (GRCh38, 1-based): chr3:10,142,029, C>T. VCF-style: chr3-10142029-C-T. GRCh37 (hg19) VCF-style: chr3-10183713-C-T.
Other names: c.182C>T, p.Pro61Leu (NM_001354723.2, NM_198156.3); short protein forms P61L.
Identifiers: ClinVar variation 456574 (VCV000456574.14), dbSNP rs746582207, ClinGen allele CA039669.